The following is an entry in ClinVar:

NM_080680.3(COL11A2):c.4273C>G (p.Gln1425Glu)

Gene: COL11A2 (collagen type XI alpha 2 chain; minus strand). Cytogenetic location: 6p21.32.
Variant type: single nucleotide variant.
Coding change: c.4273C>G on transcript NM_080680.3 (MANE Select); coding-DNA position 4273, C replaced by G.
Protein change: p.Gln1425Glu; replaces glutamine 1425 with glutamic acid.
Molecular consequence: missense variant.
Genome position (GRCh38, 1-based): chr6:33,166,785, G>C on the plus strand (C>G on the coding strand, the complement: COL11A2 is on the minus strand). VCF-style: chr6-33166785-G-C. GRCh37 (hg19) VCF-style: chr6-33134562-G-C.
Other names: c.4015C>G, p.Gln1339Glu (NM_080681.3); c.3952C>G, p.Gln1318Glu (NM_080679.3); short protein forms Q1318E, Q1339E, Q1425E.
Identifiers: ClinVar variation 1714416 (VCV001714416.6), dbSNP rs2534532976, ClinGen allele CA363620632.
Genomic context (GRCh38, chr6:33,166,785, plus strand): 5'-CACCCTTCTGCCCAGGGGAGCCCTGAGGCCCAGGAAGTCCCCGATCTCCCTTCTCTCCCT[G>C]CTCACCCGGGGGCCCAATCAGTCCAATGAGACCTGGGTGGCCCTAGAGAAGGGTGCAGGC-3'
Protein context (NP_542411.2, residues 1415-1435): LIGLIGPPGE[Gln1425Glu]GEKGDRGLPG

ClinVar aggregate classification (germline): Uncertain significance (1 of 4 stars; one submission).

Submission:

Labcorp Genetics (formerly Invitae), Labcorp
Classification: Uncertain significance. Last evaluated: 2022-07-30. Review status: criteria provided, single submitter. Criteria: Invitae Variant Classification Sherloc (09022015). Collection method: clinical testing. Allele origin: germline.
Comment: In summary, the available evidence is currently insufficient to determine the role of this variant in disease. Therefore, it has been classified as a Variant of Uncertain Significance. Advanced modeling of protein sequence and biophysical properties (such as structural, functional, and spatial information, amino acid conservation, physicochemical variation, residue mobility, and thermodynamic stability) performed at Invitae indicates that this missense variant is not expected to disrupt COL11A2 protein function. This variant has not been reported in the literature in individuals affected with COL11A2-related conditions. This variant is not present in population databases (gnomAD no frequency). This sequence change replaces glutamine, which is neutral and polar, with glutamic acid, which is acidic and polar, at codon 1425 of the COL11A2 protein (p.Gln1425Glu).